The following is an entry in ClinVar:

ClinVar aggregate classification (germline): Benign/Likely benign. Review status: criteria provided, multiple submitters, no conflicts (2 of 4 stars). 4 submissions from 4 submitters: Benign (2); Likely benign (2). Last evaluated 2026-02-02.

Conditions:
Congenital defect of folate absorption. Also called: Hereditary Folate Malabsorption. Identifiers: Orphanet 90045, MedGen C0342705, MONDO:0009238, OMIM 229050.

Allele frequency attached by ClinVar (database versions not stated): ESP Exome Variant Server 0.00290; TOPMed 0.00550; 1000 Genomes Project 0.00719; 1000 Genomes Project 30x 0.00796.

Submissions (4):

Labcorp Genetics (formerly Invitae), Labcorp
Classification: Benign. Last evaluated: 2026-02-02. Review status: criteria provided, single submitter. Criteria: Invitae Variant Classification Sherloc (09022015). Collection method: clinical testing. Allele origin: germline.

Blueprint Genetics
Classification: Likely benign. Last evaluated: 2024-11-06. Review status: criteria provided, single submitter. Criteria: ACMG Guidelines, 2015. Collection method: clinical testing. Allele origin: germline.

GeneDx
Classification: Likely benign. Last evaluated: 2017-12-18. Review status: criteria provided, single submitter. Criteria: GeneDx Variant Classification (06012015). Collection method: clinical testing. Allele origin: germline. Affected: yes.
Comment: This variant is considered likely benign or benign based on one or more of the following criteria: it is a conservative change, it occurs at a poorly conserved position in the protein, it is predicted to be benign by multiple in silico algorithms, and/or has population frequency not consistent with disease.

Illumina Laboratory Services, Illumina
Classification: Benign for Congenital defect of folate absorption. Last evaluated: 2017-04-27. Review status: criteria provided, single submitter. Criteria: ICSL Variant Classification Criteria 13 December 2019. Collection method: clinical testing. Allele origin: germline.
Comment: This variant was observed as part of a predisposition screen in an ostensibly healthy population. A literature search was performed for the gene, cDNA change, and amino acid change (where applicable). Publications were found based on this search. The evidence from the literature, in combination with allele frequency data from public databases where available, was sufficient to rule this variant out of causing disease. Therefore, this variant is classified as benign.

Literature cited by the submitters: PubMed 19176287 (cited by Illumina Laboratory Services, Illumina).

NM_080669.6(SLC46A1):c.189G>C (p.Arg63Ser)

Gene: SLC46A1 (solute carrier family 46 member 1; minus strand). Cytogenetic location: 17q11.2.
Variant type: single nucleotide variant.
Coding change: c.189G>C on transcript NM_080669.6 (MANE Select); coding-DNA position 189, G replaced by C.
Protein change: p.Arg63Ser; replaces arginine 63 with serine.
Molecular consequence: missense variant.
Genome position (GRCh38, 1-based): chr17:28,405,926, C>G on the plus strand (G>C on the coding strand, the complement: SLC46A1 is on the minus strand). VCF-style: chr17-28405926-C-G. GRCh37 (hg19) VCF-style: chr17-26732944-C-G.
Other names: c.189G>C, p.Arg63Ser (NM_001242366.3); short protein forms R63S.
Identifiers: ClinVar variation 516669 (VCV000516669.15), dbSNP rs41297071, ClinGen allele CA8458382.